The following is an entry in ClinVar:

ClinVar aggregate classification (germline): Benign. Review status: criteria provided, multiple submitters, no conflicts (2 of 4 stars). 3 submissions from 3 submitters: Benign (2). 1 of the submissions does not count toward it. Last evaluated 2018-07-15.

Conditions:
IFNLR1-related disorder. Also called: IFNLR1-related condition.

Allele frequency attached by ClinVar (database versions not stated): 1000 Genomes Project 30x 0.00422; ESP Exome Variant Server 0.00554; gnomAD 0.00596 and 0.00646; 1000 Genomes Project 0.00479; TOPMed 0.00681.
gnomAD v4.1: 1,812 of 1,613,896 alleles (0.11%); highest among the groups gnomAD compares: African/African-American, 2%; 22 homozygotes.

Submissions (3):

Labcorp Genetics (formerly Invitae), Labcorp
Classification: Benign. Last evaluated: 2018-07-15. Review status: criteria provided, single submitter. Criteria: Invitae Variant Classification Sherloc (09022015). Collection method: clinical testing. Allele origin: germline.

Breakthrough Genomics
Classification: Benign. Review status: criteria provided, single submitter. Criteria: ACMG Guidelines, 2015. Collection method: not provided. Allele origin: germline. Inheritance: Unknown mechanism. Affected: yes.

PreventionGenetics, part of Exact Sciences
Classification: Benign for IFNLR1-related condition. Last evaluated: 2019-10-28. Review status: no assertion criteria provided. Collection method: clinical testing. Allele origin: germline. Not counted in ClinVar's aggregate classification.
Comment: This variant is classified as benign based on ACMG/AMP sequence variant interpretation guidelines (Richards et al. 2015 PMID: 25741868, with internal and published modifications).

NM_170743.4(IFNLR1):c.207C>T (p.Arg69=)

Gene: IFNLR1 (interferon lambda receptor 1; minus strand). Cytogenetic location: 1p36.11.
Variant type: single nucleotide variant.
Coding change: c.207C>T on transcript NM_170743.4 (MANE Select); coding-DNA position 207, C replaced by T.
Protein change: p.Arg69=; no amino-acid change (arginine 69 retained).
Molecular consequence: synonymous variant.
Genome position (GRCh38, 1-based): chr1:24,169,577, G>A on the plus strand (C>T on the coding strand, the complement: IFNLR1 is on the minus strand). VCF-style: chr1-24169577-G-A. GRCh37 (hg19) VCF-style: chr1-24496067-G-A.
Other names: c.207C>T, p.Arg69= (NM_173064.3, NM_173065.3).
Identifiers: ClinVar variation 784939 (VCV000784939.6), dbSNP rs35682685, ClinGen allele CA689668.